The following is an entry in ClinVar:

ClinVar aggregate classification (germline): Uncertain significance. Review status: criteria provided, multiple submitters, no conflicts (2 of 4 stars). 3 submissions from 3 submitters: Uncertain significance (3). Last evaluated 2025-04-09.

Conditions:
Cardiovascular phenotype. Identifiers: MedGen CN230736.
Catecholaminergic polymorphic ventricular tachycardia (CVPT). Also called: Catecholamine-induced polymorphic ventricular tachycardia. Identifiers: Orphanet 3286, MedGen C5574922, MONDO:0017990.
Catecholaminergic polymorphic ventricular tachycardia 1. Also called: VENTRICULAR TACHYCARDIA, STRESS-INDUCED POLYMORPHIC 1; VENTRICULAR TACHYCARDIA, CATECHOLAMINERGIC POLYMORPHIC, 1, WITH OR WITHOUT ATRIAL DYSFUNCTION AND/OR DILATED CARDIOMYOPATHY; RYR2-Related Catecholaminergic Polymorphic Ventricular Tachycardia. Identifiers: Orphanet 3286, MedGen C1631597, MONDO:0011484, OMIM 604772.

Allele frequency attached by ClinVar (database versions not stated): TOPMed below 0.00001.

Submissions (3):

Molecular Diagnostic Laboratory for Inherited Cardiovascular Disease, Montreal Heart Institute
Classification: Uncertain significance for Cardiovascular phenotype. Last evaluated: 2025-04-09. Review status: criteria provided, single submitter. Criteria: ACMG Guidelines, 2015. Collection method: clinical testing. Allele origin: germline. Affected: yes.

All of Us Research Program, National Institutes of Health
Classification: Uncertain significance for Catecholaminergic polymorphic ventricular tachycardia. Last evaluated: 2023-08-15. Review status: criteria provided, single submitter. Criteria: ACMG Guidelines, 2015. Collection method: clinical testing. Allele origin: germline. Inheritance: Autosomal dominant inheritance. Observed: 1 variant allele, 1 heterozygote.
Comment: This missense variant replaces methionine with isoleucine at codon 1599 of the RYR2 protein. Computational prediction suggests that this variant may not impact protein structure and function (internally defined REVEL score threshold <= 0.5, PMID: 27666373). To our knowledge, functional studies have not been reported for this variant. This variant has not been reported in individuals affected with RYR2-related disorders in the literature. This variant has not been identified in the general population by the Genome Aggregation Database (gnomAD). The available evidence is insufficient to determine the role of this variant in disease conclusively. Therefore, this variant is classified as a Variant of Uncertain Significance.

This study involves interpretation of variants in research participants for the purpose of population health screening. Participant phenotype was not available at the time of variant classification. Additional details can be found in publication PMID: 35346344, PMCID: PMC8962531

Labcorp Genetics (formerly Invitae), Labcorp
Classification: Uncertain significance for Catecholaminergic polymorphic ventricular tachycardia 1. Last evaluated: 2022-03-08. Review status: criteria provided, single submitter. Criteria: Invitae Variant Classification Sherloc (09022015). Collection method: clinical testing. Allele origin: germline.
Comment: In summary, the available evidence is currently insufficient to determine the role of this variant in disease. Therefore, it has been classified as a Variant of Uncertain Significance. Algorithms developed to predict the effect of missense changes on protein structure and function (SIFT, PolyPhen-2, Align-GVGD) all suggest that this variant is likely to be tolerated. This sequence change replaces methionine, which is neutral and non-polar, with isoleucine, which is neutral and non-polar, at codon 1599 of the RYR2 protein (p.Met1599Ile). This variant is not present in population databases (gnomAD no frequency). This variant has not been reported in the literature in individuals affected with RYR2-related conditions. ClinVar contains an entry for this variant (Variation ID: 463601).

NM_001035.3(RYR2):c.4797G>A (p.Met1599Ile)

Gene: RYR2 (ryanodine receptor 2; plus strand). Cytogenetic location: 1q43.
Variant type: single nucleotide variant.
Coding change: c.4797G>A on transcript NM_001035.3 (MANE Select); coding-DNA position 4797, G replaced by A.
Protein change: p.Met1599Ile; replaces methionine 1599 with isoleucine.
Molecular consequence: missense variant.
Genome position (GRCh38, 1-based): chr1:237,610,875, G>A. VCF-style: chr1-237610875-G-A. GRCh37 (hg19) VCF-style: chr1-237774175-G-A.
Other names: c.4797G>A, p.Met1599Ile (LRG_402t1); short protein forms M1599I.
Identifiers: ClinVar variation 463601 (VCV000463601.12), dbSNP rs1217016031, ClinGen allele CA345402600.